The following is an entry in ClinVar:

ClinVar aggregate classification (germline): Uncertain significance. Review status: criteria provided, multiple submitters, no conflicts (2 of 4 stars). 2 submissions from 2 submitters: Uncertain significance (2). Last evaluated 2025-02-06.

Allele frequency attached by ClinVar (database versions not stated): ExAC 0.00001; TOPMed 0.00001; gnomAD exomes 0.00002; gnomAD 0.00001.
gnomAD v4.1: 34 of 1,613,660 alleles (0.0021%); highest among the groups gnomAD compares: Non-Finnish European, 0.0026%; no homozygotes.

Submissions (2):

Labcorp Genetics (formerly Invitae), Labcorp
Classification: Uncertain significance. Last evaluated: 2025-02-06. Review status: criteria provided, single submitter. Criteria: Invitae Variant Classification Sherloc (09022015). Collection method: clinical testing. Allele origin: germline.
Comment: This sequence change replaces glycine, which is neutral and non-polar, with serine, which is neutral and polar, at codon 639 of the KIF22 protein (p.Gly639Ser). This variant is present in population databases (rs776012006, gnomAD 0.003%). This variant has not been reported in the literature in individuals affected with KIF22-related conditions. ClinVar contains an entry for this variant (Variation ID: 1952252). An algorithm developed to predict the effect of missense changes on protein structure and function (PolyPhen-2) suggests that this variant is likely to be disruptive. In summary, the available evidence is currently insufficient to determine the role of this variant in disease. Therefore, it has been classified as a Variant of Uncertain Significance.

Ambry Genetics
Classification: Uncertain significance. Last evaluated: 2023-01-06. Review status: criteria provided, single submitter. Criteria: Ambry Variant Classification Scheme 2023. Collection method: clinical testing. Allele origin: germline.

NM_007317.3(KIF22):c.1915G>A (p.Gly639Ser)

Gene: KIF22 (kinesin family member 22; plus strand). Cytogenetic location: 16p11.2.
Variant type: single nucleotide variant.
Coding change: c.1915G>A on transcript NM_007317.3 (MANE Select); coding-DNA position 1915, G replaced by A.
Protein change: p.Gly639Ser; replaces glycine 639 with serine.
Molecular consequence: missense variant.
Genome position (GRCh38, 1-based): chr16:29,805,139, G>A. VCF-style: chr16-29805139-G-A. GRCh37 (hg19) VCF-style: chr16-29816460-G-A.
Other names: c.1915G>A (NM_007317.1); c.1711G>A, p.Gly571Ser (NM_001256269.2, NM_001256270.1); short protein forms G639S, G571S.
Identifiers: ClinVar variation 1952252 (VCV001952252.7), dbSNP rs776012006, ClinGen allele CA7993510.